The following is an entry in ClinVar:

ClinVar aggregate classification (germline): Uncertain significance. Review status: criteria provided, multiple submitters, no conflicts (2 of 4 stars). 3 submissions from 3 submitters: Uncertain significance (3). Last evaluated 2022-08-09.

Conditions:
Epidermolysis bullosa simplex 5C, with pyloric atresia (EBS5C). Also called: PLEC-Related Epidermolysis Bullosa with Pyloric Atresia; Epidermolysis bullosa simplex with pyloric atresia; PLEC1-Related Epidermolysis Bullosa with Pyloric Atresia. Identifiers: Orphanet 158684, MedGen C2677349, MONDO:0012807, OMIM 612138.
Epidermolysis bullosa simplex 5B, with muscular dystrophy (EBS5B). Also called: EPIDERMOLYSIS BULLOSA SIMPLEX AND LIMB-GIRDLE MUSCULAR DYSTROPHY; Epidermolysis bullosa simplex with muscular dystrophy. Identifiers: Orphanet 257, MedGen C2931072, MONDO:0009181, OMIM 226670.
Autosomal recessive limb-girdle muscular dystrophy type 2Q (LGMDR17). Also called: MUSCULAR DYSTROPHY, LIMB-GIRDLE, AUTOSOMAL RECESSIVE 17. Identifiers: Orphanet 254361, MedGen C3150989, MONDO:0013390, OMIM 613723.
Epidermolysis bullosa simplex with nail dystrophy (EBS5D). Identifiers: MedGen C4225309, MONDO:0014661, OMIM 616487.
Epidermolysis bullosa simplex, Ogna type (EBS5A). Also called: Pidermolysis bullosa simplex 5A, Ogna type; EPIDERMOLYSIS BULLOSA SIMPLEX 5A, OGNA TYPE. Identifiers: Orphanet 79401, MedGen C0432317, MONDO:0007555, OMIM 131950.

Allele frequency attached by ClinVar (database versions not stated): gnomAD exomes 0.00001 and 0.00004; ExAC 0.00003; TOPMed 0.00003; gnomAD 0.00005.

Submissions (3):

Labcorp Genetics (formerly Invitae), Labcorp
Classification: Uncertain significance for Autosomal recessive limb-girdle muscular dystrophy type 2Q; Epidermolysis bullosa simplex, Ogna type; Epidermolysis bullosa simplex with nail dystrophy; Epidermolysis bullosa simplex 5C, with pyloric atresia; Epidermolysis bullosa simplex 5B, with muscular dystrophy. Last evaluated: 2022-08-09. Review status: criteria provided, single submitter. Criteria: Invitae Variant Classification Sherloc (09022015). Collection method: clinical testing. Allele origin: germline.
Comment: In summary, the available evidence is currently insufficient to determine the role of this variant in disease. Therefore, it has been classified as a Variant of Uncertain Significance. Algorithms developed to predict the effect of missense changes on protein structure and function are either unavailable or do not agree on the potential impact of this missense change (SIFT: "Deleterious"; PolyPhen-2: "Not Available"; Align-GVGD: "Class C0"). ClinVar contains an entry for this variant (Variation ID: 493487). This missense change has been observed in individual(s) with clinical features of limb-girdle muscular dystrophy (Invitae). This variant is present in population databases (rs782124459, gnomAD 0.009%). This sequence change replaces arginine, which is basic and polar, with histidine, which is basic and polar, at codon 307 of the PLEC protein (p.Arg307His).

Revvity Omics, Revvity
Classification: Uncertain significance. Last evaluated: 2020-06-02. Review status: criteria provided, single submitter. Criteria: ACMG Guidelines, 2015. Collection method: clinical testing. Allele origin: germline.

CeGaT Center for Human Genetics Tuebingen
Classification: Uncertain significance. Last evaluated: 2017-07-01. Review status: criteria provided, single submitter. Criteria: CeGaT Center For Human Genetics Tuebingen Variant Classification Criteria Version 2. Collection method: clinical testing. Allele origin: germline. Affected: yes. Observed: 1 variant allele.

NM_201384.3(PLEC):c.839G>A (p.Arg280His)

Gene: PLEC (plectin; minus strand). Cytogenetic location: 8q24.3.
Variant type: single nucleotide variant.
Coding change: c.839G>A on transcript NM_201384.3 (MANE Select); coding-DNA position 839, G replaced by A.
Protein change: p.Arg280His; replaces arginine 280 with histidine.
Molecular consequence: missense variant.
Genome position (GRCh38, 1-based): chr8:143,934,916, C>T on the plus strand (G>A on the coding strand, the complement: PLEC is on the minus strand). VCF-style: chr8-143934916-C-T. GRCh37 (hg19) VCF-style: chr8-145009084-C-T.
Other names: c.920G>A, p.Arg307His (NM_000445.5); c.797G>A, p.Arg266His (NM_201378.4); c.773G>A, p.Arg258His (NM_201379.3); c.1250G>A, p.Arg417His (NM_201380.4); c.743G>A, p.Arg248His (NM_201381.3); c.839G>A, p.Arg280His (NM_201382.4); c.851G>A, p.Arg284His (NM_201383.3); c.920G>A (NM_000445.3); short protein forms R248H, R258H, R266H, R280H, R284H, R307H, R417H.
Identifiers: ClinVar variation 493487 (VCV000493487.50), dbSNP rs782124459, ClinGen allele CA4928275.